The following is an entry in ClinVar:

ClinVar aggregate classification (germline): Likely benign. Review status: criteria provided, multiple submitters, no conflicts (2 of 4 stars). 5 submissions from 5 submitters: Likely benign (4). 1 of the submissions does not count toward it. Last evaluated 2026-07-01.

Conditions:
TRMT5-related disorder. Also called: TRMT5-related condition.

Allele frequency attached by ClinVar (database versions not stated): 1000 Genomes Project 0.00060; 1000 Genomes Project 30x 0.00078; TOPMed 0.00079; ESP Exome Variant Server 0.00092; gnomAD exomes 0.00151 and 0.00169; ExAC 0.00159; gnomAD 0.00182 and 0.00185.
gnomAD v4.1: 2,725 of 1,614,186 alleles (0.17%); highest among the groups gnomAD compares: Non-Finnish European, 0.19%; 7 homozygotes.

Submissions (5):

CeGaT Center for Human Genetics Tuebingen
Classification: Likely benign. Last evaluated: 2026-07-01. Review status: criteria provided, single submitter. Criteria: CeGaT Center For Human Genetics Tuebingen Variant Classification Criteria Version 2. Collection method: clinical testing. Allele origin: germline. Affected: yes. Observed: 8 variant alleles.
Comment: TRMT5: BP4, BS2

Labcorp Genetics (formerly Invitae), Labcorp
Classification: Likely benign. Last evaluated: 2026-02-01. Review status: criteria provided, single submitter. Criteria: Invitae Variant Classification Sherloc (09022015). Collection method: clinical testing. Allele origin: germline.

Blueprint Genetics
Classification: Likely benign. Last evaluated: 2024-11-23. Review status: criteria provided, single submitter. Criteria: ACMG Guidelines, 2015. Collection method: clinical testing. Allele origin: germline.

Breakthrough Genomics
Classification: Likely benign. Review status: criteria provided, single submitter. Criteria: ACMG Guidelines, 2015. Collection method: not provided. Allele origin: germline. Inheritance: Autosomal recessive inheritance. Affected: yes.

PreventionGenetics, part of Exact Sciences
Classification: Likely benign for TRMT5-related condition. Last evaluated: 2022-05-16. Review status: no assertion criteria provided. Collection method: clinical testing. Allele origin: germline. Not counted in ClinVar's aggregate classification.
Comment: This variant is classified as likely benign based on ACMG/AMP sequence variant interpretation guidelines (Richards et al. 2015 PMID: 25741868, with internal and published modifications).

NM_020810.3(TRMT5):c.1283C>T (p.Ala428Val)

Gene: TRMT5 (tRNA methyltransferase 5; minus strand). Cytogenetic location: 14q23.1.
Variant type: single nucleotide variant.
Coding change: c.1283C>T on transcript NM_020810.3 (MANE Select); coding-DNA position 1283, C replaced by T.
Protein change: p.Ala428Val; replaces alanine 428 with valine.
Molecular consequence: missense variant.
Genome position (GRCh38, 1-based): chr14:60,975,636, G>A on the plus strand (C>T on the coding strand, the complement: TRMT5 is on the minus strand). VCF-style: chr14-60975636-G-A. GRCh37 (hg19) VCF-style: chr14-61442354-G-A.
Other names: c.1367C>T, p.Ala456Val (NM_001350253.1); c.1364C>T, p.Ala455Val (NM_001350254.1); short protein forms A455V, A456V, A428V.
Identifiers: ClinVar variation 717231 (VCV000717231.35), dbSNP rs45604437, ClinGen allele CA7213736.
Genomic context (GRCh38, chr14:60,975,636, plus strand): 5'-GAACTGCATGCCTCCAGAGAAATGCCTAACACAGCTCCAGCCCTTTGCCGAACATCCTCA[G>A]CAGGGTTAGCATCTTTGGAAAAGCTATAACAATGCACTATGGGAAGGAACTCACTGCTGC-3'
Protein context (NP_065861.3, residues 418-438): CYSFSKDANP[Ala428Val]EDVRQRAGAV